The following is an entry in ClinVar:

NM_000949.7(PRLR):c.1483C>T (p.Pro495Ser)

Gene: PRLR (prolactin receptor; minus strand). Cytogenetic location: 5p13.2.
Variant type: single nucleotide variant.
Coding change: c.1483C>T on transcript NM_000949.7 (MANE Select); coding-DNA position 1483, C replaced by T.
Protein change: p.Pro495Ser; replaces proline 495 with serine.
Molecular consequence: missense variant. On other transcripts: intron variant (4).
Genome position (GRCh38, 1-based): chr5:35,065,475, G>A on the plus strand (C>T on the coding strand, the complement: PRLR is on the minus strand). VCF-style: chr5-35065475-G-A. GRCh37 (hg19) VCF-style: chr5-35065577-G-A.
Other names: c.1180C>T, p.Pro394Ser (NM_001204314.2); c.685+4649C>T (NM_001204318.1); c.855+2741C>T (NM_001204317.1); c.1009+474C>T (NM_001204316.1); c.1010-99C>T (NM_001204315.1); short protein forms P394S, P495S.
Identifiers: ClinVar variation 1526078 (VCV001526078.1), dbSNP rs772553198, ClinGen allele CA359407759.

ClinVar aggregate classification (germline): Uncertain significance (1 of 4 stars; one submission).

Conditions:
Familial hyperprolactinemia (HPRL). Identifiers: Orphanet 397685, MedGen C4706551, MONDO:0014250, OMIM 615555.

Submission:

3billion
Classification: Uncertain significance for Familial hyperprolactinemia. Last evaluated: 2022-03-22. Review status: criteria provided, single submitter. Criteria: ACMG Guidelines, 2015. Collection method: clinical testing. Allele origin: germline. Affected: yes. Observed: 1 heterozygote.
Comment: The variant is not observed in the gnomAD v2.1.1 dataset. A missense variant is a common mechanism . Therefore, this variant is classified as uncertain significance according to the recommendation of ACMG/AMP guideline.